The following is an entry in ClinVar:

ClinVar aggregate classification (germline): Uncertain significance. Review status: criteria provided, multiple submitters, no conflicts (2 of 4 stars). 4 submissions from 4 submitters: Uncertain significance (4). Last evaluated 2025-11-03.

Conditions:
Cardiovascular phenotype. Identifiers: MedGen CN230736.
Dilated cardiomyopathy 1J (CMD1J). Also called: CARDIOMYOPATHY, DILATED, WITH SENSORINEURAL HEARING LOSS, AUTOSOMAL DOMINANT. Identifiers: Orphanet 217622, MedGen C1854368, MONDO:0011541, OMIM 605362.

Allele frequency attached by ClinVar (database versions not stated): gnomAD exomes below 0.00001; gnomAD 0.00001; TOPMed 0.00001.
gnomAD v4.1: 37 of 1,614,022 alleles (0.0023%); highest among the groups gnomAD compares: Non-Finnish European, 0.0028%; no homozygotes.

Submissions (4):

Labcorp Genetics (formerly Invitae), Labcorp
Classification: Uncertain significance for Dilated cardiomyopathy 1J. Last evaluated: 2025-11-03. Review status: criteria provided, single submitter. Criteria: Invitae Variant Classification Sherloc (09022015). Collection method: clinical testing. Allele origin: germline.
Comment: This sequence change replaces methionine, which is neutral and non-polar, with isoleucine, which is neutral and non-polar, at codon 478 of the EYA4 protein (p.Met478Ile). This variant is not present in population databases (gnomAD no frequency). This variant has not been reported in the literature in individuals affected with EYA4-related conditions. ClinVar contains an entry for this variant (Variation ID: 534388). Invitae Evidence Modeling of protein sequence and biophysical properties (such as structural, functional, and spatial information, amino acid conservation, physicochemical variation, residue mobility, and thermodynamic stability) has been performed for this missense variant. However, the output from this modeling did not meet the statistical confidence thresholds required to predict the impact of this variant on EYA4 protein function. In summary, the available evidence is currently insufficient to determine the role of this variant in disease. Therefore, it has been classified as a Variant of Uncertain Significance.

Ambry Genetics
Classification: Uncertain significance for Cardiovascular phenotype. Last evaluated: 2025-06-01. Review status: criteria provided, single submitter. Criteria: Ambry Variant Classification Scheme 2023. Collection method: clinical testing. Allele origin: germline.
Comment: The p.M478I variant (also known as c.1434G>T), located in coding exon 15 of the EYA4 gene, results from a G to T substitution at nucleotide position 1434. The methionine at codon 478 is replaced by isoleucine, an amino acid with highly similar properties. This amino acid position is highly conserved in available vertebrate species. In addition, this alteration is predicted to be deleterious by in silico analysis. Since supporting evidence is limited at this time, the clinical significance of this alteration remains unclear.

GeneDx
Classification: Uncertain significance. Last evaluated: 2019-04-11. Review status: criteria provided, single submitter. Criteria: GeneDx Variant Classification Process June 2021. Collection method: clinical testing. Allele origin: germline. Affected: yes.
Comment: Not observed in large population cohorts (Lek et al., 2016); In silico analysis, which includes protein predictors and evolutionary conservation, supports a deleterious effect; Has not been previously published as pathogenic or benign to our knowledge

Athena Diagnostics
Classification: Uncertain significance. Last evaluated: 2018-11-16. Review status: criteria provided, single submitter. Criteria: Athena Diagnostics Criteria. Collection method: clinical testing. Allele origin: germline.

NM_004100.5(EYA4):c.1434G>T (p.Met478Ile)

Genes: EYA4 (EYA transcriptional coactivator and phosphatase 4; plus strand), TARID (TCF21 antisense RNA inducing promoter demethylation; minus strand). Cytogenetic location: 6q23.2.
Variant type: single nucleotide variant.
Coding change: c.1434G>T on transcript NM_004100.5 (MANE Select); coding-DNA position 1434, G replaced by T.
Protein change: p.Met478Ile; replaces methionine 478 with isoleucine.
Molecular consequence: missense variant.
Genome position (GRCh38, 1-based): chr6:133,512,971, G>T. VCF-style: chr6-133512971-G-T. GRCh37 (hg19) VCF-style: chr6-133834109-G-T.
Other names: c.1272G>T, p.Met424Ile (NM_001301012.2); c.1452G>T, p.Met484Ile (NM_001301013.2); c.1365G>T, p.Met455Ile (NM_001370458.1, NM_172103.4); c.1290G>T, p.Met430Ile (NM_001370459.1); c.1434G>T, p.Met478Ile (NM_172105.4); short protein forms M478I, M424I, M430I, M484I, M455I.
Identifiers: ClinVar variation 534388 (VCV000534388.13), dbSNP rs1187396214, ClinGen allele CA365715322.